The following is an entry in ClinVar:

NM_020937.4(FANCM):c.2759C>T (p.Pro920Leu)

Gene: FANCM (FA complementation group M; plus strand). Cytogenetic location: 14q21.2.
Variant type: single nucleotide variant.
Coding change: c.2759C>T on transcript NM_020937.4 (MANE Select); coding-DNA position 2759, C replaced by T.
Protein change: p.Pro920Leu; replaces proline 920 with leucine.
Molecular consequence: missense variant.
Genome position (GRCh38, 1-based): chr14:45,175,513, C>T. VCF-style: chr14-45175513-C-T. GRCh37 (hg19) VCF-style: chr14-45644716-C-T.
Other names: c.2681C>T, p.Pro894Leu (NM_001308133.2); c.2759C>T (NM_020937.2); short protein forms P894L, P920L.
Identifiers: ClinVar variation 1405978 (VCV001405978.9), dbSNP rs776256629, ClinGen allele CA7169408.

ClinVar aggregate classification (germline): Uncertain significance. Review status: criteria provided, multiple submitters, no conflicts (2 of 4 stars). 3 submissions from 3 submitters: Uncertain significance (3). Last evaluated 2024-08-03.

Conditions:
Spermatogenic failure 28. Identifiers: MedGen C4748117, MONDO:0054732, OMIM 618086.
Premature ovarian failure 15. Identifiers: MedGen C4748170, MONDO:0054862, OMIM 618096.
Fanconi anemia (FA). Also called: Fanconi's anemia. Identifiers: Orphanet 84, MedGen C0015625, MeSH D005199, MONDO:0019391.

Allele frequency attached by ClinVar (database versions not stated): gnomAD 0.00001; TOPMed 0.00002; gnomAD exomes 0.00003 and 0.00004; ExAC 0.00006.
gnomAD v4.1: 40 of 1,612,236 alleles (0.0025%); highest among the groups gnomAD compares: South Asian, 0.024%; 1 homozygote.

Submissions (3):

Labcorp Genetics (formerly Invitae), Labcorp
Classification: Uncertain significance for Fanconi anemia. Last evaluated: 2024-08-03. Review status: criteria provided, single submitter. Criteria: Invitae Variant Classification Sherloc (09022015). Collection method: clinical testing. Allele origin: germline.
Comment: This sequence change replaces proline, which is neutral and non-polar, with leucine, which is neutral and non-polar, at codon 920 of the FANCM protein (p.Pro920Leu). This variant is present in population databases (rs776256629, gnomAD 0.03%). This missense change has been observed in individual(s) with breast and/or ovarian cancer (PMID: 35802266). ClinVar contains an entry for this variant (Variation ID: 1405978). An algorithm developed to predict the effect of missense changes on protein structure and function outputs the following: PolyPhen-2: "Benign". The leucine amino acid residue is found in multiple mammalian species, which suggests that this missense change does not adversely affect protein function. In summary, the available evidence is currently insufficient to determine the role of this variant in disease. Therefore, it has been classified as a Variant of Uncertain Significance.

GeneDx
Classification: Uncertain significance. Last evaluated: 2023-11-19. Review status: criteria provided, single submitter. Criteria: GeneDx Variant Classification Process June 2021. Collection method: clinical testing. Allele origin: germline. Affected: yes.
Comment: In silico analysis supports that this missense variant has a deleterious effect on protein structure/function; Has not been previously published as pathogenic or benign to our knowledge

Fulgent Genetics
Classification: Uncertain significance for Spermatogenic failure 28; Premature ovarian failure 15. Last evaluated: 2022-05-06. Review status: criteria provided, single submitter. Criteria: ACMG Guidelines, 2015. Collection method: clinical testing. Allele origin: unknown.

Literature cited by the submitters: PubMed 35802266 (cited by Labcorp Genetics (formerly Invitae), Labcorp).